The following is an entry in ClinVar:

ClinVar aggregate classification (germline): Uncertain significance (1 of 4 stars; one submission).

gnomAD v4.1: 5 of 1,612,592 alleles (0.00031%); highest among the groups gnomAD compares: East Asian, 0.0089%; no homozygotes.

Submission:

Labcorp Genetics (formerly Invitae), Labcorp
Classification: Uncertain significance. Last evaluated: 2024-05-06. Review status: criteria provided, single submitter. Criteria: Invitae Variant Classification Sherloc (09022015). Collection method: clinical testing. Allele origin: germline.
Comment: This sequence change replaces aspartic acid, which is acidic and polar, with glutamic acid, which is acidic and polar, at codon 1544 of the DSCAML1 protein (p.Asp1544Glu). This variant is present in population databases (rs764615710, gnomAD 0.02%). This variant has not been reported in the literature in individuals affected with DSCAML1-related conditions. Algorithms developed to predict the effect of missense changes on protein structure and function output the following: SIFT: "Not Available"; PolyPhen-2: "Benign"; Align-GVGD: "Not Available". The glutamic acid amino acid residue is found in multiple mammalian species, which suggests that this missense change does not adversely affect protein function. In summary, the available evidence is currently insufficient to determine the role of this variant in disease. Therefore, it has been classified as a Variant of Uncertain Significance.

NM_020693.4(DSCAML1):c.4452C>G (p.Asp1484Glu)

Gene: DSCAML1 (DS cell adhesion molecule like 1; minus strand). Cytogenetic location: 11q23.3.
Variant type: single nucleotide variant.
Coding change: c.4452C>G on transcript NM_020693.4 (MANE Select); coding-DNA position 4452, C replaced by G.
Protein change: p.Asp1484Glu; replaces aspartic acid 1484 with glutamic acid.
Molecular consequence: missense variant.
Genome position (GRCh38, 1-based): chr11:117,437,390, G>C on the plus strand (C>G on the coding strand, the complement: DSCAML1 is on the minus strand). VCF-style: chr11-117437390-G-C. GRCh37 (hg19) VCF-style: chr11-117308106-G-C.
Other names: short protein forms D1484E.
Identifiers: ClinVar variation 3685649 (VCV003685649.2).